The following is an entry in ClinVar:

NM_020693.4(DSCAML1):c.3602C>T (p.Pro1201Leu)

Gene: DSCAML1 (DS cell adhesion molecule like 1; minus strand). Cytogenetic location: 11q23.3.
Variant type: single nucleotide variant.
Coding change: c.3602C>T on transcript NM_020693.4 (MANE Select); coding-DNA position 3602, C replaced by T.
Protein change: p.Pro1201Leu; replaces proline 1201 with leucine.
Molecular consequence: missense variant.
Genome position (GRCh38, 1-based): chr11:117,450,655, G>A on the plus strand (C>T on the coding strand, the complement: DSCAML1 is on the minus strand). VCF-style: chr11-117450655-G-A. GRCh37 (hg19) VCF-style: chr11-117321371-G-A.
Other names: short protein forms P1201L.
Identifiers: ClinVar variation 2087040 (VCV002087040.4), dbSNP rs189610500, ClinGen allele CA6296643.

ClinVar aggregate classification (germline): Uncertain significance (1 of 4 stars; one submission).

Allele frequency attached by ClinVar (database versions not stated): gnomAD exomes below 0.00001; ExAC 0.00001; gnomAD 0.00001; 1000 Genomes Project 30x 0.00016; 1000 Genomes Project 0.00020.
gnomAD v4.1: 2 of 1,614,184 alleles (0.00012%); highest among the groups gnomAD compares: African/African-American, 0.0027%; no homozygotes.

Submission:

Labcorp Genetics (formerly Invitae), Labcorp
Classification: Uncertain significance. Last evaluated: 2022-06-26. Review status: criteria provided, single submitter. Criteria: Invitae Variant Classification Sherloc (09022015). Collection method: clinical testing. Allele origin: germline.
Comment: This sequence change replaces proline, which is neutral and non-polar, with leucine, which is neutral and non-polar, at codon 1261 of the DSCAML1 protein (p.Pro1261Leu). This variant is present in population databases (rs189610500, gnomAD 0.007%). This variant has not been reported in the literature in individuals affected with DSCAML1-related conditions. Algorithms developed to predict the effect of missense changes on protein structure and function (SIFT, PolyPhen-2, Align-GVGD) all suggest that this variant is likely to be tolerated. In summary, the available evidence is currently insufficient to determine the role of this variant in disease. Therefore, it has been classified as a Variant of Uncertain Significance.